The following is an entry in ClinVar:

NM_001042492.3(NF1):c.4572C>G (p.Ser1524Arg)

Gene: NF1 (neurofibromin 1; plus strand). Cytogenetic location: 17q11.2.
Variant type: single nucleotide variant.
Coding change: c.4572C>G on transcript NM_001042492.3 (MANE Select); coding-DNA position 4572, C replaced by G.
Protein change: p.Ser1524Arg; replaces serine 1524 with arginine.
Molecular consequence: missense variant.
Genome position (GRCh38, 1-based): chr17:31,260,510, C>G. VCF-style: chr17-31260510-C-G. GRCh37 (hg19) VCF-style: chr17-29587528-C-G.
Other names: c.4509C>G, p.Ser1503Arg (NM_000267.4); short protein forms S1503R, S1524R.
Identifiers: ClinVar variation 5025657 (VCV005025657.1).

ClinVar aggregate classification (germline): Uncertain significance (1 of 4 stars; one submission).

Conditions:
Cardiovascular phenotype. Identifiers: MedGen CN230736.
Hereditary cancer-predisposing syndrome. Also called: Neoplastic Syndromes, Hereditary; Tumor predisposition; Hereditary neoplastic syndrome; Hereditary Cancer Syndrome. Identifiers: Orphanet 140162, MedGen C0027672, MeSH D009386, MONDO:0015356.

Submission:

Ambry Genetics
Classification: Uncertain significance for Cardiovascular phenotype; Hereditary cancer-predisposing syndrome. Last evaluated: 2026-09-08. Review status: criteria provided, single submitter. Criteria: Ambry Variant Classification Scheme 2023. Collection method: clinical testing. Allele origin: germline.
Comment: The p.S1503R variant (also known as c.4509C>G), located in coding exon 33 of the NF1 gene, results from a C to G substitution at nucleotide position 4509. The serine at codon 1503 is replaced by arginine, an amino acid with dissimilar properties. This amino acid position is conserved. In addition, this alteration is predicted to be deleterious by in silico analysis. Based on the available evidence, the clinical significance of this variant remains unclear.